The following is an entry in ClinVar:

ClinVar aggregate classification (germline): Uncertain significance (1 of 4 stars; one submission).

Allele frequency attached by ClinVar (database versions not stated): ExAC 0.00001; gnomAD exomes 0.00002; TOPMed 0.00006; gnomAD 0.00007.
gnomAD v4.1: 31 of 1,610,724 alleles (0.0019%); highest among the groups gnomAD compares: Admixed American, 0.034%; no homozygotes.

Submission:

Labcorp Genetics (formerly Invitae), Labcorp
Classification: Uncertain significance. Last evaluated: 2025-11-17. Review status: criteria provided, single submitter. Criteria: Invitae Variant Classification Sherloc (09022015). Collection method: clinical testing. Allele origin: germline.
Comment: This sequence change replaces arginine, which is basic and polar, with histidine, which is basic and polar, at codon 490 of the NUP205 protein (p.Arg490His). This variant is present in population databases (rs777258672, gnomAD 0.02%). This variant has not been reported in the literature in individuals affected with NUP205-related conditions. ClinVar contains an entry for this variant (Variation ID: 2172708). An algorithm developed to predict the effect of missense changes on protein structure and function (PolyPhen-2) suggests that this variant is likely to be disruptive. In summary, the available evidence is currently insufficient to determine the role of this variant in disease. Therefore, it has been classified as a Variant of Uncertain Significance.

NM_015135.3(NUP205):c.1469G>A (p.Arg490His)

Gene: NUP205 (nucleoporin 205; plus strand). Cytogenetic location: 7q33.
Variant type: single nucleotide variant.
Coding change: c.1469G>A on transcript NM_015135.3 (MANE Select); coding-DNA position 1469, G replaced by A.
Protein change: p.Arg490His; replaces arginine 490 with histidine.
Molecular consequence: missense variant.
Genome position (GRCh38, 1-based): chr7:135,587,988, G>A. VCF-style: chr7-135587988-G-A. GRCh37 (hg19) VCF-style: chr7-135272736-G-A.
Other names: c.395G>A, p.Arg132His (NM_001329434.2); short protein forms R132H, R490H.
Identifiers: ClinVar variation 2172708 (VCV002172708.4), dbSNP rs777258672, ClinGen allele CA4498102.